The following is an entry in ClinVar:

ClinVar aggregate classification (germline): Pathogenic (1 of 4 stars; one submission).

Submission:

Labcorp Genetics (formerly Invitae), Labcorp
Classification: Pathogenic. Last evaluated: 2022-02-08. Review status: criteria provided, single submitter. Criteria: Invitae Variant Classification Sherloc (09022015). Collection method: clinical testing. Allele origin: germline.
Comment: This sequence change creates a premature translational stop signal (p.Glu338*) in the HPS3 gene. It is expected to result in an absent or disrupted protein product. Loss-of-function variants in HPS3 are known to be pathogenic (PMID: 11590544). This variant is not present in population databases (gnomAD no frequency). This premature translational stop signal has been observed in individual(s) with clinical features of Hermansky-Pudlak syndrome (PMID: 31898847). For these reasons, this variant has been classified as Pathogenic.

Literature cited by the submitters: PubMed 11590544; PubMed 31898847.

NM_032383.5(HPS3):c.1012G>T (p.Glu338Ter)

Gene: HPS3 (HPS3 biogenesis of lysosomal organelles complex 2 subunit 1; plus strand). Cytogenetic location: 3q24.
Variant type: single nucleotide variant.
Coding change: c.1012G>T on transcript NM_032383.5 (MANE Select); coding-DNA position 1012, G replaced by T.
Protein change: p.Glu338Ter; replaces glutamic acid 338 with a stop codon.
Molecular consequence: nonsense.
Genome position (GRCh38, 1-based): chr3:149,145,395, G>T. VCF-style: chr3-149145395-G-T. GRCh37 (hg19) VCF-style: chr3-148863182-G-T.
Other names: c.517G>T, p.Glu173Ter (NM_001308258.2); short protein forms E173*, E338*.
Identifiers: ClinVar variation 1916245 (VCV001916245.5), dbSNP rs1172448451, ClinGen allele CA354915569.